The following is an entry in ClinVar:

NM_001243925.2(MAPKAPK3):c.256G>T (p.Asp86Tyr)

Gene: MAPKAPK3 (MAPK activated protein kinase 3; plus strand). Cytogenetic location: 3p21.2.
Variant type: single nucleotide variant.
Coding change: c.256G>T on transcript NM_001243925.2 (MANE Select); coding-DNA position 256, G replaced by T.
Protein change: p.Asp86Tyr; replaces aspartic acid 86 with tyrosine.
Molecular consequence: missense variant.
Genome position (GRCh38, 1-based): chr3:50,640,402, G>T. VCF-style: chr3-50640402-G-T. GRCh37 (hg19) VCF-style: chr3-50677833-G-T.
Other names: c.256G>T, p.Asp86Tyr (NM_001243926.2, NM_004635.5); short protein forms D86Y.
Identifiers: ClinVar variation 964393 (VCV000964393.7), dbSNP rs2033150698, ClinGen allele CA352925782.

ClinVar aggregate classification (germline): Uncertain significance (1 of 4 stars; one submission).

Allele frequency attached by ClinVar (database versions not stated): gnomAD exomes below 0.00001; gnomAD 0.00001; TOPMed 0.00002.
gnomAD v4.1: 4 of 1,614,046 alleles (0.00025%); highest among the groups gnomAD compares: Middle Eastern, 0.016%; no homozygotes.

Submission:

Labcorp Genetics (formerly Invitae), Labcorp
Classification: Uncertain significance. Last evaluated: 2023-01-06. Review status: criteria provided, single submitter. Criteria: Invitae Variant Classification Sherloc (09022015). Collection method: clinical testing. Allele origin: germline.
Comment: In summary, the available evidence is currently insufficient to determine the role of this variant in disease. Therefore, it has been classified as a Variant of Uncertain Significance. Algorithms developed to predict the effect of missense changes on protein structure and function (SIFT, PolyPhen-2, Align-GVGD) all suggest that this variant is likely to be disruptive. ClinVar contains an entry for this variant (Variation ID: 964393). This variant has not been reported in the literature in individuals affected with MAPKAPK3-related conditions. This variant is not present in population databases (gnomAD no frequency). This sequence change replaces aspartic acid, which is acidic and polar, with tyrosine, which is neutral and polar, at codon 86 of the MAPKAPK3 protein (p.Asp86Tyr).